The following is an entry in ClinVar:

NM_002906.4(RDX):c.1468G>A (p.Asp490Asn)

Gene: RDX (radixin; minus strand). Cytogenetic location: 11q22.3.
Variant type: single nucleotide variant.
Coding change: c.1468G>A on transcript NM_002906.4 (MANE Select); coding-DNA position 1468, G replaced by A.
Protein change: p.Asp490Asn; replaces aspartic acid 490 with asparagine.
Molecular consequence: missense variant. On other transcripts: intron variant (1).
Genome position (GRCh38, 1-based): chr11:110,233,356, C>T on the plus strand (G>A on the coding strand, the complement: RDX is on the minus strand). VCF-style: chr11-110233356-C-T. GRCh37 (hg19) VCF-style: chr11-110104081-C-T.
Other names: c.1468G>A, p.Asp490Asn (NM_001260492.2, NM_001260493.2); c.1060G>A, p.Asp354Asn (NM_001260494.2); c.427G>A, p.Asp143Asn (NM_001260495.2); c.405-1352G>A (NM_001260496.2); short protein forms D490N, D354N, D143N.
Identifiers: ClinVar variation 44637 (VCV000044637.14), dbSNP rs34471100, ClinGen allele CA134767.

ClinVar aggregate classification (germline): Conflicting classifications of pathogenicity. Review status: criteria provided, conflicting classifications (1 of 4 stars). 5 submissions from 5 submitters: Uncertain significance (2); Likely benign (3). Last evaluated 2025-12-24.

Conditions:
RDX-related disorder. Also called: RDX-related condition.

Allele frequency attached by ClinVar (database versions not stated): gnomAD exomes 0.00009 and 0.00020; 1000 Genomes Project 0.00020; ExAC 0.00026; 1000 Genomes Project 30x 0.00031; gnomAD 0.00070; TOPMed 0.00087; ESP Exome Variant Server 0.00092.
gnomAD v4.1: 256 of 1,614,150 alleles (0.016%); highest among the groups gnomAD compares: African/African-American, 0.29%; no homozygotes.

Submissions (5):

Labcorp Genetics (formerly Invitae), Labcorp
Classification: Likely benign. Last evaluated: 2025-12-24. Review status: criteria provided, single submitter. Criteria: Invitae Variant Classification Sherloc (09022015). Collection method: clinical testing. Allele origin: germline.

PreventionGenetics, part of Exact Sciences
Classification: Likely benign for RDX-related condition. Last evaluated: 2024-10-02. Review status: criteria provided, single submitter. Criteria: ACMG Guidelines, 2015. Collection method: clinical testing. Allele origin: germline.
Comment: This variant is classified as likely benign based on ACMG/AMP sequence variant interpretation guidelines (Richards et al. 2015 PMID: 25741868, with internal and published modifications).

Blueprint Genetics
Classification: Uncertain significance. Last evaluated: 2023-12-29. Review status: criteria provided, single submitter. Criteria: ACMG Guidelines, 2015. Collection method: clinical testing. Allele origin: germline.

Laboratory for Molecular Medicine, Mass General Brigham Personalized Medicine
Classification: Uncertain significance. Last evaluated: 2021-03-31. Review status: criteria provided, single submitter. Criteria: LMM Criteria. Collection method: clinical testing. Allele origin: germline. Observed: 3 variant alleles.
Comment: Variant classified as Uncertain Significance - Favor Benign. The p.Asp490Asn variant in RDX has been reported in the heterozygous state in 2 individuals with hearing loss (LMM data), but has also been identified in 0.24% (62/24972) of African chromosomes by gnomAD. Computational prediction tools and conservation analysis do not provide strong support for or against an impact to the protein. In summary, while the clinical significance of this variant is uncertain, its frequency suggests it is more likely to be benign. ACMG/AMP Criteria applied: BS1_Supporting.

GeneDx
Classification: Likely benign. Last evaluated: 2019-12-16. Review status: criteria provided, single submitter. Criteria: GeneDx Variant Classification Process June 2021. Collection method: clinical testing. Allele origin: germline. Affected: yes.